The following is an entry in ClinVar:

NM_001374353.1(GLI2):c.132G>A (p.Ala44=)

Gene: GLI2 (GLI family zinc finger 2; plus strand). Cytogenetic location: 2q14.2.
Variant type: single nucleotide variant.
Coding change: c.132G>A on transcript NM_001374353.1 (MANE Select); coding-DNA position 132, G replaced by A.
Protein change: p.Ala44=; no amino-acid change (alanine 44 retained).
Molecular consequence: synonymous variant. On other transcripts: 5 prime UTR variant (1).
Genome position (GRCh38, 1-based): chr2:120,797,452, G>A. VCF-style: chr2-120797452-G-A. GRCh37 (hg19) VCF-style: chr2-121555028-G-A.
Other names: c.132G>A, p.Ala44= (NM_001371271.1, NM_005270.5); c.-138G>A (NM_001374354.1).
Identifiers: ClinVar variation 193310 (VCV000193310.16), dbSNP rs145778937, ClinGen allele CA238816.

ClinVar aggregate classification (germline): Conflicting classifications of pathogenicity. Review status: criteria provided, conflicting classifications (1 of 4 stars). 3 submissions from 3 submitters: Uncertain significance (1); Likely benign (2). Last evaluated 2026-07-01.

Conditions:
Holoprosencephaly 9 (HPE9). Also called: HOLOPROSENCEPHALY WITH MICROPHTHALMIA AND FIRST BRANCHIAL ARCH ANOMALIES; PITUITARY ANOMALIES WITH HOLOPROSENCEPHALY-LIKE FEATURES. Identifiers: Orphanet 2162, MedGen C1835819, MONDO:0012563, OMIM 610829.
Postaxial polydactyly-anterior pituitary anomalies-facial dysmorphism syndrome. Also called: Culler-Jones syndrome. Identifiers: Orphanet 420584, MedGen C4014479, MONDO:0014369, OMIM 615849.

Allele frequency attached by ClinVar (database versions not stated): ESP Exome Variant Server 0.00015; gnomAD 0.00015 and 0.00017; gnomAD exomes 0.00018 and 0.00023; ExAC 0.00019; 1000 Genomes Project 0.00020; TOPMed 0.00020; 1000 Genomes Project 30x 0.00031.
gnomAD v4.1: 362 of 1,613,772 alleles (0.022%); highest among the groups gnomAD compares: Admixed American, 0.028%; no homozygotes.

Submissions (3):

CeGaT Center for Human Genetics Tuebingen
Classification: Likely benign. Last evaluated: 2026-07-01. Review status: criteria provided, single submitter. Criteria: CeGaT Center For Human Genetics Tuebingen Variant Classification Criteria Version 2. Collection method: clinical testing. Allele origin: germline. Affected: yes. Observed: 1 variant allele.
Comment: GLI2: BP4, BP7

Labcorp Genetics (formerly Invitae), Labcorp
Classification: Likely benign for Postaxial polydactyly-anterior pituitary anomalies-facial dysmorphism syndrome; Holoprosencephaly 9. Last evaluated: 2025-10-21. Review status: criteria provided, single submitter. Criteria: Invitae Variant Classification Sherloc (09022015). Collection method: clinical testing. Allele origin: germline.

Eurofins Ntd Llc (ga)
Classification: Uncertain significance. Last evaluated: 2015-02-08. Review status: criteria provided, single submitter. Criteria: EGL Classification Definitions 2015. Collection method: clinical testing. Allele origin: germline. Observed: 1 variant allele, 1 heterozygote.